The following is an entry in ClinVar:

ClinVar aggregate classification (germline): Uncertain significance (0 of 4 stars; one submission).

gnomAD v4.1: 58 of 1,602,442 alleles (0.0036%); highest among the groups gnomAD compares: Non-Finnish European, 0.0045%; no homozygotes.

Submission:

Department of Pathology and Laboratory Medicine, Sinai Health System
Classification: Uncertain significance. Review status: no assertion criteria provided. Collection method: clinical testing. Allele origin: unknown. Affected: yes. Study: The Canadian Open Genetics Repository (COGR).
Comment: The FLG p.A2837P variant was not identified in the literature nor was it identified in ClinVar. The variant was identified in dbSNP (ID: rs751798732) and in control databases in 10 of 280044 chromosomes (1 homozygous) at a frequency of 0.00003571 (Genome Aggregation Database March 6, 2019, v2.1.1). The p.A2837 residue is not conserved in mammals and computational analyses (MUT Assesor, PolyPhen-2, SIFT, MutationTaster, Revel, FATHMM, MetaLR, DANN) do not suggest a high likelihood of impact to the protein; this information is not predictive enough to rule out pathogenicity. The variant occurs outside of the splicing consensus sequence and in silico or computational prediction software programs (Splice AI exome) do not predict a difference in splicing. In summary, based on the above information the clinical significance of this variant cannot be determined with certainty at this time. This variant is classified as a variant of uncertain significance.

NM_002016.2(FLG):c.8509G>C (p.Ala2837Pro)

Genes: FLG (filaggrin; minus strand), FLG-AS1 (FLG antisense RNA 1; plus strand). Cytogenetic location: 1q21.3.
Variant type: single nucleotide variant.
Coding change: c.8509G>C on transcript NM_002016.2 (MANE Select); coding-DNA position 8509, G replaced by C.
Protein change: p.Ala2837Pro; replaces alanine 2837 with proline.
Molecular consequence: missense variant.
Genome position (GRCh38, 1-based): chr1:152,306,377, C>G on the plus strand (G>C on the coding strand, the complement: FLG is on the minus strand). VCF-style: chr1-152306377-C-G. GRCh37 (hg19) VCF-style: chr1-152278853-C-G.
Other names: short protein forms A2837P.
Identifiers: ClinVar variation 1050667 (VCV001050667.1), dbSNP rs751798732, ClinGen allele CA1104202.